The following is an entry in ClinVar:

NM_001098426.2(SMARCD2):c.568-3T>C

Gene: SMARCD2 (SWI/SNF related BAF chromatin remodeling complex subunit D2; minus strand). Cytogenetic location: 17q23.3.
Variant type: single nucleotide variant.
Coding change: c.568-3T>C on transcript NM_001098426.2 (MANE Select); 3 bases into the intron before coding-DNA position 568, T replaced by C.
Molecular consequence: intron variant.
Genome position (GRCh38, 1-based): chr17:63,835,570, A>G on the plus strand (T>C on the coding strand, the complement: SMARCD2 is on the minus strand). VCF-style: chr17-63835570-A-G. GRCh37 (hg19) VCF-style: chr17-61912930-A-G.
Other names: c.343-3T>C (NM_001330439.1); c.424-3T>C (NM_001330440.2).
Identifiers: ClinVar variation 1393127 (VCV001393127.7), dbSNP rs2040255240, ClinGen allele CA985417150.

ClinVar aggregate classification (germline): Conflicting classifications of pathogenicity. Review status: criteria provided, conflicting classifications (1 of 4 stars). 2 submissions from 2 submitters: Uncertain significance (1); Likely benign (1). Last evaluated 2021-06-25.

Allele frequency attached by ClinVar (database versions not stated): gnomAD 0.00001; TOPMed 0.00001.
gnomAD v4.1: 10 of 1,613,304 alleles (0.00062%); highest among the groups gnomAD compares: Non-Finnish European, 0.00085%; no homozygotes.

Submissions (2):

Blueprint Genetics
Classification: Likely benign. Last evaluated: 2021-06-25. Review status: criteria provided, single submitter. Criteria: ACMG Guidelines, 2015. Collection method: clinical testing. Allele origin: germline.

Labcorp Genetics (formerly Invitae), Labcorp
Classification: Uncertain significance. Last evaluated: 2021-05-05. Review status: criteria provided, single submitter. Criteria: Invitae Variant Classification Sherloc (09022015). Collection method: clinical testing. Allele origin: germline.
Comment: This sequence change falls in intron 4 of the SMARCD2 gene. It does not directly change the encoded amino acid sequence of the SMARCD2 protein. It affects a nucleotide within the consensus splice site of the intron. This variant is not present in population databases (ExAC no frequency). This variant has not been reported in the literature in individuals with SMARCD2-related conditions. Nucleotide substitutions within the consensus splice site are a relatively common cause of aberrant splicing (PMID: 17576681, 9536098). Algorithms developed to predict the effect of sequence changes on RNA splicing suggest that this variant is not likely to affect RNA splicing, but this prediction has not been confirmed by published transcriptional studies. In summary, the available evidence is currently insufficient to determine the role of this variant in disease. Therefore, it has been classified as a Variant of Uncertain Significance.

Literature cited by the submitters: PubMed 17576681 (cited by Labcorp Genetics (formerly Invitae), Labcorp); PubMed 9536098 (cited by Labcorp Genetics (formerly Invitae), Labcorp).